The following is an entry in ClinVar:

NM_000016.6(ACADM):c.118+10C>A

Gene: ACADM (acyl-CoA dehydrogenase medium chain; plus strand). Cytogenetic location: 1p31.1.
Variant type: single nucleotide variant.
Coding change: c.118+10C>A on transcript NM_000016.6 (MANE Select); 10 bases into the intron after coding-DNA position 118, C replaced by A.
Molecular consequence: intron variant.
Genome position (GRCh38, 1-based): chr1:75,728,498, C>A. VCF-style: chr1-75728498-C-A. GRCh37 (hg19) VCF-style: chr1-76194183-C-A.
Other names: c.130+10C>A (NM_001127328.3); c.118+10C>A (NM_001286043.2); c.10+3681C>A (NM_001286042.2); c.-268+3681C>A (NM_001286044.2).
Identifiers: ClinVar variation 2091131 (VCV002091131.4), dbSNP rs202218503, ClinGen allele CA2580063233.
Genomic context (GRCh38, chr1:75,728,498, plus strand): 5'-AGCATACAAAAGCCAATCGACAACGTGAACCAGGATTAGGATTTAGTTTTGGTATATGTT[C>A]GGTTCTATCTTTTGACTTTAAACTTATACATATGAAGCTTTATATGTTTTGTTTGGAATA-3'

ClinVar aggregate classification (germline): Likely pathogenic (1 of 4 stars; one submission).

Conditions:
Medium-chain acyl-coenzyme A dehydrogenase deficiency (ACADMD). Also called: MCAD Deficiency; ACADM DEFICIENCY; MCADH DEFICIENCY; MCADD; CARNITINE DEFICIENCY SECONDARY TO MEDIUM-CHAIN ACYL-CoA DEHYDROGENASE DEFICIENCY; Medium chain acyl-CoA dehydrogenase deficiency. Identifiers: Orphanet 42, MedGen C0220710, MONDO:0008721, OMIM 201450.

Submission:

Labcorp Genetics (formerly Invitae), Labcorp
Classification: Likely pathogenic for Medium-chain acyl-coenzyme A dehydrogenase deficiency. Last evaluated: 2022-03-28. Review status: criteria provided, single submitter. Criteria: Invitae Variant Classification Sherloc (09022015). Collection method: clinical testing. Allele origin: germline.
Comment: In summary, the currently available evidence indicates that the variant is pathogenic, but additional data are needed to prove that conclusively. Therefore, this variant has been classified as Likely Pathogenic. Algorithms developed to predict the effect of sequence changes on RNA splicing suggest that this variant may disrupt the consensus splice site. This variant has been observed in individual(s) with clinical features of medium chain acyl-CoA dehydrogenase deficiency (Invitae). In at least one individual the data is consistent with being in trans (on the opposite chromosome) from a pathogenic variant. This variant is not present in population databases (gnomAD no frequency). This sequence change falls in intron 2 of the ACADM gene. It does not directly change the encoded amino acid sequence of the ACADM protein.